The following is an entry in ClinVar:

ClinVar aggregate classification (germline): Uncertain significance (1 of 4 stars; one submission).

Conditions:
Hereditary breast ovarian cancer syndrome. Also called: Hereditary breast and ovarian cancer; Breast and ovarian cancer; BRCA1- and BRCA2-Associated Hereditary Breast and Ovarian Cancer; Hereditary breast and/or ovarian cancer syndrome; Hereditary breast and ovarian cancer syndrome; Hereditary breast and ovarian cancer syndrome (HBOC). Identifiers: Orphanet 145, MedGen C0677776, MeSH D061325, MONDO:0003582. Disease mechanism: loss of function.

Submission:

Labcorp Genetics (formerly Invitae), Labcorp
Classification: Uncertain significance for Hereditary breast ovarian cancer syndrome. Last evaluated: 2021-11-14. Review status: criteria provided, single submitter. Criteria: Invitae Variant Classification Sherloc (09022015). Collection method: clinical testing. Allele origin: germline.
Comment: This variant is not present in population databases (gnomAD no frequency). This sequence change affects an acceptor splice site in intron 7 of the BRCA1 gene. Loss-of-function variants in BRCA1 are expected to be pathogenic (PMID: 20104584). However, an in-frame BRCA1 isoform lacking exons 8 and 9 (also known as exons 9 and 10) is highly expressed in blood from unaffected individuals and in normal breast tissue; this isoform may retain protein function and could functionally rescue loss-of-function variants within exons 8-9 (PMID: 24569164). This variant has not been reported in the literature in individuals affected with BRCA1-related conditions. In summary, the available evidence is currently insufficient to determine the role of this variant in disease. Therefore, it has been classified as a Variant of Uncertain Significance. Algorithms developed to predict the effect of sequence changes on RNA splicing suggest that this variant may disrupt the consensus splice site.

Literature cited by the submitters: PubMed 20104584; PubMed 24569164.

NM_007294.4(BRCA1):c.548-2A>G

Gene: BRCA1 (BRCA1 DNA repair associated; minus strand). Cytogenetic location: 17q21.31.
Variant type: single nucleotide variant.
Coding change: c.548-2A>G on transcript NM_007294.4 (MANE Select); the canonical splice acceptor site of the intron before coding-DNA position 548, A replaced by G.
Molecular consequence: splice acceptor variant. On other transcripts: intron variant (115).
Genome position (GRCh38, 1-based): chr17:43,097,291, T>C on the plus strand (A>G on the coding strand, the complement: BRCA1 is on the minus strand). VCF-style: chr17-43097291-T-C. GRCh37 (hg19) VCF-style: chr17-41249308-T-C.
Other names: c.467-2431A>G (NM_001407874.1, NM_001408475.1, NM_001407875.1); c.467-2A>G (NM_001408416.1, NM_001407659.1, NM_001407662.1 and 3 more transcripts); c.335-2A>G (NM_001407571.1, NM_001407897.1, NM_001407917.1 and 12 more transcripts); c.338-2431A>G (NM_001407950.1, NM_001407948.1, NM_001407947.1 and 7 more transcripts); c.338-2A>G (NM_001408484.1, NM_001408478.1, NM_001407907.1 and 27 more transcripts); c.545-2431A>G (NM_001408450.1, NM_001408434.1, NM_001407672.1 and 20 more transcripts); c.545-2A>G (NM_001408398.1, NM_001407992.1, NM_001407629.1 and 41 more transcripts); c.548-2431A>G (NM_001408440.1, NM_001408428.1, NM_001407678.1 and 34 more transcripts); and 17 more.
Identifiers: ClinVar variation 1462914 (VCV001462914.7), dbSNP rs2154521770, ClinGen allele CA10601035.
Genomic context (GRCh38, chr17:43,097,291, plus strand): 5'-CTCTTTGACTCACCTGCAATAAGTTGCCTTATTAACGGTATCTTCAGAAGAATCAGATCC[T>C]AAAAAATTTCCCCCCAAAAAATAAATCAATAAAAGTTTTCTTAATTAAAAGGGTTAAAAA-3'